The following is an entry in ClinVar:

ClinVar aggregate classification (germline): Uncertain significance (1 of 4 stars; one submission).

gnomAD v4.1: 2 of 1,613,606 alleles (0.00012%); highest among the groups gnomAD compares: Non-Finnish European, 0.00017%; no homozygotes.

Submission:

Labcorp Genetics (formerly Invitae), Labcorp
Classification: Uncertain significance. Last evaluated: 2025-12-11. Review status: criteria provided, single submitter. Criteria: Invitae Variant Classification Sherloc (09022015). Collection method: clinical testing. Allele origin: germline.
Comment: This sequence change replaces leucine, which is neutral and non-polar, with proline, which is neutral and non-polar, at codon 1538 of the ATR protein (p.Leu1538Pro). This variant is not present in population databases (gnomAD no frequency). This variant has not been reported in the literature in individuals affected with ATR-related conditions. An algorithm developed to predict the effect of missense changes on protein structure and function (PolyPhen-2) suggests that this variant is likely to be disruptive. In summary, the available evidence is currently insufficient to determine the role of this variant in disease. Therefore, it has been classified as a Variant of Uncertain Significance.

NM_001184.4(ATR):c.4613T>C (p.Leu1538Pro)

Gene: ATR (ATR checkpoint kinase; minus strand). Cytogenetic location: 3q23.
Variant type: single nucleotide variant.
Coding change: c.4613T>C on transcript NM_001184.4 (MANE Select); coding-DNA position 4613, T replaced by C.
Protein change: p.Leu1538Pro; replaces leucine 1538 with proline.
Molecular consequence: missense variant.
Genome position (GRCh38, 1-based): chr3:142,513,529, A>G on the plus strand (T>C on the coding strand, the complement: ATR is on the minus strand). VCF-style: chr3-142513529-A-G. GRCh37 (hg19) VCF-style: chr3-142232371-A-G.
Other names: c.4421T>C, p.Leu1474Pro (NM_001354579.2); short protein forms L1474P, L1538P.
Identifiers: ClinVar variation 4737805 (VCV004737805.1).